The following is an entry in ClinVar:

ClinVar aggregate classification (germline): Likely benign. Review status: criteria provided, multiple submitters, no conflicts (2 of 4 stars). 2 submissions from 2 submitters: Likely benign (2). Last evaluated 2024-10-10.

Conditions:
Hereditary diffuse gastric adenocarcinoma (HDGC). Also called: DIFFUSE GASTRIC AND LOBULAR BREAST CANCER SYNDROME. Identifiers: Orphanet 26106, MedGen C1708349, MONDO:0007648, OMIM 137215.

gnomAD v4.1: 1 of 1,613,314 alleles (0.000062%); highest among the groups gnomAD compares: Non-Finnish European, 0.000085%; no homozygotes.

Submissions (2):

Myriad Genetics, Inc.
Classification: Likely benign for Hereditary diffuse gastric adenocarcinoma. Last evaluated: 2024-10-10. Review status: criteria provided, single submitter. Criteria: Myriad Autosomal Dominant, Autosomal Recessive and X-Linked Classification Criteria (2023). Collection method: clinical testing. Allele origin: unknown.
Comment: This variant is considered likely benign. This variant is intronic and is not expected to impact mRNA splicing.

Labcorp Genetics (formerly Invitae), Labcorp
Classification: Likely benign. Last evaluated: 2023-09-10. Review status: criteria provided, single submitter. Criteria: Invitae Variant Classification Sherloc (09022015). Collection method: clinical testing. Allele origin: germline.

NM_001903.5(CTNNA1):c.859-15A>C

Gene: CTNNA1 (catenin alpha 1; plus strand). Cytogenetic location: 5q31.2.
Variant type: single nucleotide variant.
Coding change: c.859-15A>C on transcript NM_001903.5 (MANE Select); 15 bases into the intron before coding-DNA position 859, A replaced by C.
Molecular consequence: intron variant.
Genome position (GRCh38, 1-based): chr5:138,827,500, A>C. VCF-style: chr5-138827500-A-C. GRCh37 (hg19) VCF-style: chr5-138163189-A-C.
Other names: c.859-15A>C (NM_001323982.2, NM_001323984.2, NM_001290307.3 and 3 more transcripts); c.490-15A>C (NM_001290310.3); c.550-15A>C (NM_001290309.3).
Identifiers: ClinVar variation 2079300 (VCV002079300.5), dbSNP rs1438309172, ClinGen allele CA2580072917.
Genomic context (GRCh38, chr5:138,827,500, plus strand): 5'-AATAACACTTTTCTCACCTTGAATAAAGAAGGGAACAGAGATGAGTACTAACATTCGGTA[A>C]TACTTTCTCTGCAGAAACAAATCATTGTGGACCCCTTGAGCTTCAGCGAGGAGCGCTTTA-3'